The following is an entry in ClinVar:

ClinVar aggregate classification (germline): Uncertain significance. Review status: criteria provided, multiple submitters, no conflicts (2 of 4 stars). 2 submissions from 2 submitters: Uncertain significance (2). Last evaluated 2021-12-27.

Conditions:
Catecholaminergic polymorphic ventricular tachycardia 1. Also called: VENTRICULAR TACHYCARDIA, STRESS-INDUCED POLYMORPHIC 1; VENTRICULAR TACHYCARDIA, CATECHOLAMINERGIC POLYMORPHIC, 1, WITH OR WITHOUT ATRIAL DYSFUNCTION AND/OR DILATED CARDIOMYOPATHY; RYR2-Related Catecholaminergic Polymorphic Ventricular Tachycardia. Identifiers: Orphanet 3286, MedGen C1631597, MONDO:0011484, OMIM 604772.

Submissions (2):

Labcorp Genetics (formerly Invitae), Labcorp
Classification: Uncertain significance for Catecholaminergic polymorphic ventricular tachycardia 1. Last evaluated: 2021-12-27. Review status: criteria provided, single submitter. Criteria: Invitae Variant Classification Sherloc (09022015). Collection method: clinical testing. Allele origin: germline.
Comment: ClinVar contains an entry for this variant (Variation ID: 1016584). This variant has not been reported in the literature in individuals affected with RYR2-related conditions. This variant is not present in population databases (gnomAD no frequency). This sequence change replaces glycine, which is neutral and non-polar, with serine, which is neutral and polar, at codon 2236 of the RYR2 protein (p.Gly2236Ser). Advanced modeling of protein sequence and biophysical properties (such as structural, functional, and spatial information, amino acid conservation, physicochemical variation, residue mobility, and thermodynamic stability) performed at Invitae indicates that this missense variant is expected to disrupt RYR2 protein function. In summary, the available evidence is currently insufficient to determine the role of this variant in disease. Therefore, it has been classified as a Variant of Uncertain Significance.

Mayo Clinic Laboratories, Mayo Clinic
Classification: Uncertain significance. Last evaluated: 2021-05-05. Review status: criteria provided, single submitter. Criteria: ACMG Guidelines, 2015. Collection method: clinical testing. Allele origin: germline.

NM_001035.3(RYR2):c.6706G>A (p.Gly2236Ser)

Gene: RYR2 (ryanodine receptor 2; plus strand). Cytogenetic location: 1q43.
Variant type: single nucleotide variant.
Coding change: c.6706G>A on transcript NM_001035.3 (MANE Select); coding-DNA position 6706, G replaced by A.
Protein change: p.Gly2236Ser; replaces glycine 2236 with serine.
Molecular consequence: missense variant.
Genome position (GRCh38, 1-based): chr1:237,634,906, G>A. VCF-style: chr1-237634906-G-A. GRCh37 (hg19) VCF-style: chr1-237798206-G-A.
Other names: p.Gly2236Ser; short protein forms G2236S.
Identifiers: ClinVar variation 1016584 (VCV001016584.14), dbSNP rs1680719186, ClinGen allele CA345394507.
Genomic context (GRCh38, chr1:237,634,906, plus strand): 5'-CAGCACGATCCAGGTTATATTTCATCTTCATTTGAATTAATAGCCTCCCCAGCTATGAGA[G>A]GTTCAACACCACTGGATGTGGCTGCAGCTTCGGTGATGGATAATAATGAACTAGCATTAG-3'
Protein context (NP_001026.2, residues 2226-2246): SVGLASPAMR[Gly2236Ser]STPLDVAAAS